The following is an entry in ClinVar:

ClinVar aggregate classification (germline): Benign/Likely benign. Review status: criteria provided, multiple submitters, no conflicts (2 of 4 stars). 6 submissions from 6 submitters: Benign (3); Likely benign (3). Last evaluated 2026-03-27.

Conditions:
Familial thoracic aortic aneurysm and aortic dissection (TAAD). Also called: Thoracic aortic aneurysms and dissections. Identifiers: Orphanet 91387, MedGen C4707243, MONDO:0019625.

Allele frequency attached by ClinVar (database versions not stated): gnomAD 0.00016; gnomAD exomes 0.00016 and 0.00059; TOPMed 0.00050; ExAC 0.00052; 1000 Genomes Project 0.00200; 1000 Genomes Project 30x 0.00203.
gnomAD v4.1: 343 of 1,613,638 alleles (0.021%); highest among the groups gnomAD compares: East Asian, 0.42%; 4 homozygotes.

Submissions (6):

Molecular Diagnostic Laboratory for Inherited Cardiovascular Disease, Montreal Heart Institute
Classification: Likely benign. Last evaluated: 2026-03-27. Review status: criteria provided, single submitter. Criteria: ACMG Guidelines, 2015. Collection method: clinical testing. Allele origin: germline. Affected: no.
Comment: BS1

Labcorp Genetics (formerly Invitae), Labcorp
Classification: Benign. Last evaluated: 2026-01-16. Review status: criteria provided, single submitter. Criteria: Invitae Variant Classification Sherloc (09022015). Collection method: clinical testing. Allele origin: germline.

Blueprint Genetics
Classification: Likely benign. Last evaluated: 2024-11-20. Review status: criteria provided, single submitter. Criteria: ACMG Guidelines, 2015. Collection method: clinical testing. Allele origin: germline.

CHEO Genetics Diagnostic Laboratory, Children's Hospital of Eastern Ontario
Classification: Benign for Familial thoracic aortic aneurysm and aortic dissection. Last evaluated: 2023-03-10. Review status: criteria provided, single submitter. Criteria: ACMG Guidelines, 2015. Collection method: clinical testing. Allele origin: germline.

GeneDx
Classification: Likely benign. Last evaluated: 2020-07-14. Review status: criteria provided, single submitter. Criteria: GeneDx Variant Classification Process June 2021. Collection method: clinical testing. Allele origin: germline. Affected: yes.

Women's Health and Genetics/Laboratory Corporation of America, LabCorp
Classification: Benign. Last evaluated: 2017-07-14. Review status: criteria provided, single submitter. Criteria: LabCorp Variant Classification Summary - May 2015. Collection method: clinical testing. Allele origin: germline.
Comment: Variant summary: The LOX c.631+10C>T variant involves the alteration of a non-conserved intronic nucleotide. Mutation taster predicts a benign outcome for this variant. 4/5 splice prediction tools predict no significant impact on normal splicing. However, these predictions have yet to be confirmed by functional studies. This variant was found in 61/117512 control chromosomes from ExAC at a frequency of 0.0005191, which is approximately 31 times the estimated maximal expected allele frequency of a pathogenic LOX variant (0.0000167), suggesting this variant is likely a benign polymorphism. To our knowledge, the variant of interest has not been reported in affected individuals in literature. Taken together, this variant is classified as benign.

NM_002317.7(LOX):c.631+10C>T

Genes: LOX (lysyl oxidase; minus strand), SRFBP1 (serum response factor binding protein 1; plus strand). Cytogenetic location: 5q23.1.
Variant type: single nucleotide variant.
Coding change: c.631+10C>T on transcript NM_002317.7 (MANE Select); 10 bases into the intron after coding-DNA position 631, C replaced by T.
Molecular consequence: intron variant.
Genome position (GRCh38, 1-based): chr5:122,077,345, G>A on the plus strand (C>T on the coding strand, the complement: LOX is on the minus strand). VCF-style: chr5-122077345-G-A. GRCh37 (hg19) VCF-style: chr5-121413040-G-A.
Identifiers: ClinVar variation 496153 (VCV000496153.14), dbSNP rs199948468, ClinGen allele CA3383997.
Genomic context (GRCh38, chr5:122,077,345, plus strand): 5'-GCCACGTCGAGAAGCCACATAGCTGGGGACCAGGTGCACGGGTGCTTCCAGCGGACTTGG[G>A]GGTACTTACCGTACTGGAAGTAGCCAGTGCCGTATCCGGGCCGGTACCTGCCCCCAGGTC-3'